The following is an entry in ClinVar:

NM_001014342.3(FLG2):c.1881G>A (p.Gln627=)

Genes: CCDST (cervical cancer associated DHX9 suppressive transcript; plus strand), FLG2 (filaggrin 2; minus strand). Cytogenetic location: 1q21.3.
Variant type: single nucleotide variant.
Coding change: c.1881G>A on transcript NM_001014342.3 (MANE Select); coding-DNA position 1881, G replaced by A.
Protein change: p.Gln627=; no amino-acid change (glutamine 627 retained).
Molecular consequence: synonymous variant.
Genome position (GRCh38, 1-based): chr1:152,355,905, C>T on the plus strand (G>A on the coding strand, the complement: FLG2 is on the minus strand). VCF-style: chr1-152355905-C-T. GRCh37 (hg19) VCF-style: chr1-152328381-C-T.
Identifiers: ClinVar variation 3898342 (VCV003898342.7).

ClinVar aggregate classification (germline): Likely benign (1 of 4 stars; one submission).

Submission:

CeGaT Center for Human Genetics Tuebingen
Classification: Likely benign. Last evaluated: 2025-04-01. Review status: criteria provided, single submitter. Criteria: CeGaT Center For Human Genetics Tuebingen Variant Classification Criteria Version 2. Collection method: clinical testing. Allele origin: germline. Affected: yes. Observed: 1 variant allele.
Comment: FLG2: BP4, BP7